The following is an entry in ClinVar:

NM_021614.4(KCNN2):c.1325C>T (p.Pro442Leu)

Gene: KCNN2 (potassium calcium-activated channel subfamily N member 2; plus strand). Cytogenetic location: 5q22.3.
Variant type: single nucleotide variant.
Coding change: c.1325C>T on transcript NM_021614.4 (MANE Select); coding-DNA position 1325, C replaced by T.
Protein change: p.Pro442Leu; replaces proline 442 with leucine.
Molecular consequence: missense variant.
Genome position (GRCh38, 1-based): chr5:114,404,544, C>T. VCF-style: chr5-114404544-C-T. GRCh37 (hg19) VCF-style: chr5-113740241-C-T.
Other names: c.1523C>T, p.Pro508Leu (NM_001372233.1); short protein forms P442L, P508L.
Identifiers: ClinVar variation 2571229 (VCV002571229.27), dbSNP rs2531642984, ClinGen allele CA360705103.

ClinVar aggregate classification (germline): Uncertain significance (1 of 4 stars; one submission).

Submission:

CeGaT Center for Human Genetics Tuebingen
Classification: Uncertain significance. Last evaluated: 2023-04-01. Review status: criteria provided, single submitter. Criteria: CeGaT Center For Human Genetics Tuebingen Variant Classification Criteria Version 2. Collection method: clinical testing. Allele origin: germline. Affected: yes. Observed: 1 variant allele.
Comment: KCNN2: PM2, PP2, PP3